The following is an entry in ClinVar:

NM_005450.6(NOG):c.346A>C (p.Met116Leu)

Gene: NOG (noggin; plus strand). Cytogenetic location: 17q22.
Variant type: single nucleotide variant.
Coding change: c.346A>C on transcript NM_005450.6 (MANE Select); coding-DNA position 346, A replaced by C.
Protein change: p.Met116Leu; replaces methionine 116 with leucine.
Molecular consequence: missense variant.
Genome position (GRCh38, 1-based): chr17:56,594,569, A>C. VCF-style: chr17-56594569-A-C. GRCh37 (hg19) VCF-style: chr17-54671930-A-C.
Other names: short protein forms M116L.
Identifiers: ClinVar variation 2846695 (VCV002846695.3), dbSNP rs1242597018, ClinGen allele CA399965806.
Genomic context (GRCh38, chr17:56,594,569, plus strand): 5'-GGGGGCGCGGAGGACCTGGCGGAGCTGGACCAGCTGCTGCGGCAGCGGCCGTCGGGGGCC[A>C]TGCCGAGCGAGATCAAAGGGCTAGAGTTCTCCGAGGGCTTGGCCCAGGGCAAGAAGCAGC-3'
Protein context (NP_005441.1, residues 106-126): QLLRQRPSGA[Met116Leu]PSEIKGLEFS

ClinVar aggregate classification (germline): Uncertain significance (1 of 4 stars; one submission).

Submission:

Labcorp Genetics (formerly Invitae), Labcorp
Classification: Uncertain significance. Last evaluated: 2023-04-16. Review status: criteria provided, single submitter. Criteria: Invitae Variant Classification Sherloc (09022015). Collection method: clinical testing. Allele origin: germline.
Comment: In summary, the available evidence is currently insufficient to determine the role of this variant in disease. Therefore, it has been classified as a Variant of Uncertain Significance. An algorithm developed to predict the effect of missense changes on protein structure and function (PolyPhen-2) suggests that this variant is likely to be tolerated. This variant has not been reported in the literature in individuals affected with NOG-related conditions. This variant is not present in population databases (gnomAD no frequency). This sequence change replaces methionine, which is neutral and non-polar, with leucine, which is neutral and non-polar, at codon 116 of the NOG protein (p.Met116Leu).